The following is an entry in ClinVar:

ClinVar aggregate classification (germline): Benign/Likely benign. Review status: criteria provided, multiple submitters, no conflicts (2 of 4 stars). 4 submissions from 4 submitters: Benign (2); Likely benign (2). Last evaluated 2025-12-22.

Conditions:
Cataract 18 (CATC2). Also called: CATARACT 18, AUTOSOMAL RECESSIVE. Identifiers: Orphanet 91492, Orphanet 98991, Orphanet 98992, Orphanet 98995, MedGen C1864908, MONDO:0012395, OMIM 610019.

Allele frequency attached by ClinVar (database versions not stated): gnomAD exomes 0.00103 and 0.00235; ExAC 0.00269; gnomAD 0.00842 and 0.00893; 1000 Genomes Project 30x 0.00921; 1000 Genomes Project 0.00958; ESP Exome Variant Server 0.00969; TOPMed 0.00977.
gnomAD v4.1: 2,864 of 1,614,080 alleles (0.18%); highest among the groups gnomAD compares: African/African-American, 3%; 47 homozygotes.

Submissions (4):

Labcorp Genetics (formerly Invitae), Labcorp
Classification: Benign for Cataract 18. Last evaluated: 2025-12-22. Review status: criteria provided, single submitter. Criteria: Invitae Variant Classification Sherloc (09022015). Collection method: clinical testing. Allele origin: germline.

GeneDx
Classification: Likely benign. Last evaluated: 2021-06-22. Review status: criteria provided, single submitter. Criteria: GeneDx Variant Classification Process June 2021. Collection method: clinical testing. Allele origin: germline. Affected: yes.

Illumina Laboratory Services, Illumina
Classification: Benign for Cataract 18. Last evaluated: 2018-01-12. Review status: criteria provided, single submitter. Criteria: ICSL Variant Classification Criteria 13 December 2019. Collection method: clinical testing. Allele origin: germline.
Comment: This variant was observed in the ICSL laboratory as part of a predisposition screen in an ostensibly healthy population. It had not been previously curated by ICSL or reported in the Human Gene Mutation Database (HGMD: prior to June 1st, 2018), and was therefore a candidate for classification through an automated scoring system. Utilizing variant allele frequency, disease prevalence and penetrance estimates, and inheritance mode, an automated score was calculated to assess if this variant is too frequent to cause the disease. Based on the score and internal cut-off values, a variant classified as benign is not then subjected to further curation. The score for this variant resulted in a classification of benign for this disease.

Breakthrough Genomics
Classification: Likely benign. Review status: criteria provided, single submitter. Criteria: ACMG Guidelines, 2015. Collection method: not provided. Allele origin: germline. Inheritance: Autosomal recessive inheritance. Affected: yes.

NM_024513.4(FYCO1):c.4146C>T (p.Ala1382=)

Gene: FYCO1 (FYVE and coiled-coil domain autophagy adaptor 1; minus strand). Cytogenetic location: 3p21.31.
Variant type: single nucleotide variant.
Coding change: c.4146C>T on transcript NM_024513.4 (MANE Select); coding-DNA position 4146, C replaced by T.
Protein change: p.Ala1382=; no amino-acid change (alanine 1382 retained).
Molecular consequence: synonymous variant.
Genome position (GRCh38, 1-based): chr3:45,931,176, G>A on the plus strand (C>T on the coding strand, the complement: FYCO1 is on the minus strand). VCF-style: chr3-45931176-G-A. GRCh37 (hg19) VCF-style: chr3-45972668-G-A.
Identifiers: ClinVar variation 468447 (VCV000468447.17), dbSNP rs34068905, ClinGen allele CA2352377.
Genomic context (GRCh38, chr3:45,931,176, plus strand): 5'-ACTGAAGGAGATGCTCTTGGGGTCAGAGGAGAAGACCCAGCTGATGGTGAGGCCTGCCTC[G>A]GCCACAGTGATGGGGATCAGGCTGTAGGTGCTGGACCTCACAAACAGCTCCCTGCTACCC-3'
Protein context (NP_078789.2, residues 1372-1392): STYSLIPITV[Ala1382=]EAGLTISWVF